The following is an entry in ClinVar:

ClinVar aggregate classification (germline): Uncertain significance (1 of 4 stars; one submission).

Conditions:
Familial thoracic aortic aneurysm and aortic dissection (TAAD). Also called: Thoracic aortic aneurysms and dissections. Identifiers: Orphanet 91387, MedGen C4707243, MONDO:0019625.

Allele frequency attached by ClinVar (database versions not stated): gnomAD exomes below 0.00001.
gnomAD v4.1: 1 of 1,613,986 alleles (0.000062%); highest among the groups gnomAD compares: Non-Finnish European, 0.000085%; no homozygotes.

Submission:

All of Us Research Program, National Institutes of Health
Classification: Uncertain significance for Familial thoracic aortic aneurysm and aortic dissection. Last evaluated: 2023-02-24. Review status: criteria provided, single submitter. Criteria: ACMG Guidelines, 2015. Collection method: clinical testing. Allele origin: germline. Inheritance: Autosomal dominant inheritance. Observed: 1 variant allele, 1 heterozygote.
Comment: This missense variant replaces aspartic acid with asparagine at codon 329 of the MYH11 protein. Computational prediction suggests that this variant may have deleterious impact on protein structure and function (internally defined REVEL score threshold >= 0.7, PMID: 27666373). To our knowledge, functional studies have not been reported for this variant. This variant has not been reported in individuals affected with MYH11-related disorders in the literature. This variant has not been identified in the general population by the Genome Aggregation Database (gnomAD). The available evidence is insufficient to determine the role of this variant in disease conclusively. Therefore, this variant is classified as a Variant of Uncertain Significance.

This study involves interpretation of variants in research participants for the purpose of population health screening. Participant phenotype was not available at the time of variant classification. Additional details can be found in publication PMID: 35346344, PMCID: PMC8962531

NM_002474.3(MYH11):c.964G>A (p.Asp322Asn)

Gene: MYH11 (myosin heavy chain 11; minus strand). Cytogenetic location: 16p13.11.
Variant type: single nucleotide variant.
Coding change: c.964G>A on transcript NM_002474.3 (MANE Select); coding-DNA position 964, G replaced by A.
Protein change: p.Asp322Asn; replaces aspartic acid 322 with asparagine.
Molecular consequence: missense variant.
Genome position (GRCh38, 1-based): chr16:15,771,638, C>T on the plus strand (G>A on the coding strand, the complement: MYH11 is on the minus strand). VCF-style: chr16-15771638-C-T. GRCh37 (hg19) VCF-style: chr16-15865495-C-T.
Other names: c.985G>A, p.Asp329Asn (NM_001040113.2, NM_001040114.2); c.964G>A, p.Asp322Asn (NM_022844.3); short protein forms D322N, D329N.
Identifiers: ClinVar variation 3069564 (VCV003069564.1), dbSNP rs2506504410, ClinGen allele CA394867868.